The following is an entry in ClinVar:

NM_017752.3(TBC1D8B):c.1613G>A (p.Arg538His)

Gene: TBC1D8B (TBC1 domain family member 8B; plus strand). Cytogenetic location: Xq22.3.
Variant type: single nucleotide variant.
Coding change: c.1613G>A on transcript NM_017752.3 (MANE Select); coding-DNA position 1613, G replaced by A.
Protein change: p.Arg538His; replaces arginine 538 with histidine.
Molecular consequence: missense variant.
Genome position (GRCh38, 1-based): chrX:106,840,778, G>A. VCF-style: chrX-106840778-G-A. GRCh37 (hg19) VCF-style: chrX-106084008-G-A.
Other names: c.1613G>A, p.Arg538His (NM_198881.2); short protein forms R538H.
Identifiers: ClinVar variation 2373971 (VCV002373971.4), dbSNP rs780095720, ClinGen allele CA10483174.
Genomic context (GRCh38, chrX:106,840,778, plus strand): 5'-TTGAGCAGTCCTTAGGGACCTGCAACTTGGCTACTGAAGAAATTGAACGTGATTTACGTC[G>A]CTCTCTGCCTGAGCACCCAGCCTTTCAGAGTGATACTGGCATATCTGCTCTGAGAAGGGT-3'
Protein context (NP_060222.2, residues 528-548): ATEEIERDLR[Arg538His]SLPEHPAFQS

ClinVar aggregate classification (germline): Uncertain significance. Review status: criteria provided, multiple submitters, no conflicts (2 of 4 stars). 2 submissions from 2 submitters: Uncertain significance (2). Last evaluated 2024-03-24.

Allele frequency attached by ClinVar (database versions not stated): ExAC 0.00002; gnomAD 0.00004; TOPMed 0.00006.
gnomAD v4.1: 19 of 1,209,055 alleles (0.0016%); highest among the groups gnomAD compares: Admixed American, 0.011%; no homozygotes.

Submissions (2):

Labcorp Genetics (formerly Invitae), Labcorp
Classification: Uncertain significance. Last evaluated: 2024-03-24. Review status: criteria provided, single submitter. Criteria: Invitae Variant Classification Sherloc (09022015). Collection method: clinical testing. Allele origin: germline.
Comment: This sequence change replaces arginine, which is basic and polar, with histidine, which is basic and polar, at codon 538 of the TBC1D8B protein (p.Arg538His). This variant is present in population databases (rs780095720, gnomAD 0.01%). This variant has not been reported in the literature in individuals affected with TBC1D8B-related conditions. ClinVar contains an entry for this variant (Variation ID: 2373971). An algorithm developed to predict the effect of missense changes on protein structure and function (PolyPhen-2) suggests that this variant is likely to be disruptive. In summary, the available evidence is currently insufficient to determine the role of this variant in disease. Therefore, it has been classified as a Variant of Uncertain Significance.

Ambry Genetics
Classification: Uncertain significance. Last evaluated: 2021-09-16. Review status: criteria provided, single submitter. Criteria: Ambry Variant Classification Scheme 2023. Collection method: clinical testing. Allele origin: germline.